The following is an entry in ClinVar:

ClinVar aggregate classification (germline): Pathogenic/Likely pathogenic. Review status: criteria provided, multiple submitters, no conflicts (2 of 4 stars). 3 submissions from 3 submitters: Pathogenic (1); Likely pathogenic (1). 1 of the submissions does not count toward it. Last evaluated 2024-02-28.

Conditions:
Autosomal recessive nonsyndromic hearing loss 77. Identifiers: Orphanet 90636, MedGen C2746083, MONDO:0013119, OMIM 613079.

Submissions (3):

Fulgent Genetics
Classification: Likely pathogenic for Autosomal recessive nonsyndromic hearing loss 77. Last evaluated: 2024-02-28. Review status: criteria provided, single submitter. Criteria: ACMG Guidelines, 2015. Collection method: clinical testing. Allele origin: germline.

Labcorp Genetics (formerly Invitae), Labcorp
Classification: Pathogenic. Last evaluated: 2023-06-29. Review status: criteria provided, single submitter. Criteria: Invitae Variant Classification Sherloc (09022015). Collection method: clinical testing. Allele origin: germline.
Comment: For these reasons, this variant has been classified as Pathogenic. Algorithms developed to predict the effect of sequence changes on RNA splicing suggest that this variant may disrupt the consensus splice site. ClinVar contains an entry for this variant (Variation ID: 982257). Disruption of this splice site has been observed in individual(s) with deafness (PMID: 33892339). In at least one individual the data is consistent with being in trans (on the opposite chromosome) from a pathogenic variant. This variant is not present in population databases (gnomAD no frequency). This sequence change affects an acceptor splice site in intron 21 of the LOXHD1 gene. It is expected to disrupt RNA splicing. Variants that disrupt the donor or acceptor splice site typically lead to a loss of protein function (PMID: 16199547), and loss-of-function variants in LOXHD1 are known to be pathogenic (PMID: 19732867, 21465660, 25792669).

Center for Molecular Medicine, Children’s Hospital of Fudan University
Classification: Pathogenic for Autosomal recessive nonsyndromic hearing loss 77. Last evaluated: 2020-09-30. Review status: no assertion criteria provided. Collection method: clinical testing. Allele origin: maternal. Affected: yes. Not counted in ClinVar's aggregate classification.

Literature cited by the submitters: PubMed 33892339 (cited by Labcorp Genetics (formerly Invitae), Labcorp); PubMed 16199547 (cited by Labcorp Genetics (formerly Invitae), Labcorp); PubMed 19732867 (cited by Labcorp Genetics (formerly Invitae), Labcorp); PubMed 21465660 (cited by Labcorp Genetics (formerly Invitae), Labcorp); PubMed 25792669 (cited by Labcorp Genetics (formerly Invitae), Labcorp).

NM_001384474.1(LOXHD1):c.3351-1G>A

Gene: LOXHD1 (lipoxygenase homology PLAT domains 1; minus strand). Cytogenetic location: 18q21.1.
Variant type: single nucleotide variant.
Coding change: c.3351-1G>A on transcript NM_001384474.1 (MANE Select); the canonical splice acceptor site of the intron before coding-DNA position 3351, G replaced by A.
Molecular consequence: splice acceptor variant.
Genome position (GRCh38, 1-based): chr18:46,547,059, C>T on the plus strand (G>A on the coding strand, the complement: LOXHD1 is on the minus strand). VCF-style: chr18-46547059-C-T. GRCh37 (hg19) VCF-style: chr18-44127022-C-T.
Other names: c.18-1G>A (NM_001145472.3); c.-271-1G>A (NM_001308013.2); c.3351-1G>A (NM_144612.7).
Identifiers: ClinVar variation 982257 (VCV000982257.8), dbSNP rs868646051, ClinGen allele CA299786286.